The following is an entry in ClinVar:

ClinVar aggregate classification (germline): Uncertain significance. Review status: criteria provided, multiple submitters, no conflicts (2 of 4 stars). 2 submissions from 2 submitters: Uncertain significance (2). Last evaluated 2024-04-23.

Conditions:
Inborn genetic diseases. Identifiers: MedGen C0950123, MeSH D030342.

Allele frequency attached by ClinVar (database versions not stated): TOPMed 0.00002.

Submissions (2):

Ambry Genetics
Classification: Uncertain significance for Inborn genetic diseases. Last evaluated: 2024-04-23. Review status: criteria provided, single submitter. Criteria: Ambry Variant Classification Scheme 2023. Collection method: clinical testing. Allele origin: germline.

Labcorp Genetics (formerly Invitae), Labcorp
Classification: Uncertain significance. Last evaluated: 2024-01-16. Review status: criteria provided, single submitter. Criteria: Invitae Variant Classification Sherloc (09022015). Collection method: clinical testing. Allele origin: germline.
Comment: This sequence change replaces isoleucine, which is neutral and non-polar, with leucine, which is neutral and non-polar, at codon 389 of the TAB2 protein (p.Ile389Leu). This variant is not present in population databases (gnomAD no frequency). This variant has not been reported in the literature in individuals affected with TAB2-related conditions. Advanced modeling of protein sequence and biophysical properties (such as structural, functional, and spatial information, amino acid conservation, physicochemical variation, residue mobility, and thermodynamic stability) performed at Invitae indicates that this missense variant is not expected to disrupt TAB2 protein function with a negative predictive value of 80%. In summary, the available evidence is currently insufficient to determine the role of this variant in disease. Therefore, it has been classified as a Variant of Uncertain Significance.

NM_001292034.3(TAB2):c.1165A>C (p.Ile389Leu)

Genes: TAB2 (TGF-beta activated kinase 1 (MAP3K7) binding protein 2; plus strand), LOC126859827 (BRD4-independent group 4 enhancer GRCh37_chr6:149699707-149700906; plus strand). Cytogenetic location: 6q25.1.
Variant type: single nucleotide variant.
Coding change: c.1165A>C on transcript NM_001292034.3 (MANE Select); coding-DNA position 1165, A replaced by C.
Protein change: p.Ile389Leu; replaces isoleucine 389 with leucine.
Molecular consequence: missense variant.
Genome position (GRCh38, 1-based): chr6:149,379,080, A>C. VCF-style: chr6-149379080-A-C. GRCh37 (hg19) VCF-style: chr6-149700216-A-C.
Other names: c.1165A>C (NM_015093.4); c.1069A>C, p.Ile357Leu (NM_001292035.3); c.1165A>C, p.Ile389Leu (NM_001369506.1, NM_015093.6); short protein forms I389L, I357L.
Identifiers: ClinVar variation 2803951 (VCV002803951.4), dbSNP rs1437698988, ClinGen allele CA365998095.